The following is an entry in ClinVar:

NM_022049.3(GPR88):c.1069G>C (p.Ala357Pro)

Gene: GPR88 (G protein-coupled receptor 88; plus strand). Cytogenetic location: 1p21.2.
Variant type: single nucleotide variant.
Coding change: c.1069G>C on transcript NM_022049.3 (MANE Select); coding-DNA position 1069, G replaced by C.
Protein change: p.Ala357Pro; replaces alanine 357 with proline.
Molecular consequence: missense variant.
Genome position (GRCh38, 1-based): chr1:100,540,035, G>C. VCF-style: chr1-100540035-G-C. GRCh37 (hg19) VCF-style: chr1-101005591-G-C.
Other names: short protein forms A357P.
Identifiers: ClinVar variation 3688472 (VCV003688472.2).
Genomic context (GRCh38, chr1:100,540,035, plus strand): 5'-ACGTGGAGGAACGAGGAGTTCCGCCGCTCCGTGCGCTCAGTCCTGCCGGGCGTCGGCGAC[G>C]CGGCGGCCGCTGCCGTTGCCGCCACAGCCGTGCCCGCAGTGTCCCAGGCGCAACTGGGCA-3'
Protein context (NP_071332.2, residues 347-367): VRSVLPGVGD[Ala357Pro]AAAAVAATAV

ClinVar aggregate classification (germline): Uncertain significance (1 of 4 stars; one submission).

Submission:

Labcorp Genetics (formerly Invitae), Labcorp
Classification: Uncertain significance. Last evaluated: 2024-03-19. Review status: criteria provided, single submitter. Criteria: Invitae Variant Classification Sherloc (09022015). Collection method: clinical testing. Allele origin: germline.
Comment: This sequence change replaces alanine, which is neutral and non-polar, with proline, which is neutral and non-polar, at codon 357 of the GPR88 protein (p.Ala357Pro). This variant is not present in population databases (gnomAD no frequency). This variant has not been reported in the literature in individuals affected with GPR88-related conditions. Experimental studies and prediction algorithms are not available or were not evaluated, and the functional significance of this variant is currently unknown. In summary, the available evidence is currently insufficient to determine the role of this variant in disease. Therefore, it has been classified as a Variant of Uncertain Significance.